The following is an entry in ClinVar:

NM_025114.4(CEP290):c.*1del (p.Ter2480=)

Genes: CEP290 (centrosomal protein 290; minus strand), RLIG1 (RNA 5'-phosphate and 3'-OH ligase 1; plus strand). Cytogenetic location: 12q21.32.
Variant type: Deletion.
Coding change: c.*1del on transcript NM_025114.4 (MANE Select); 1 bases downstream of the stop codon, one base deleted (A; older notation c.*1delA).
Protein change: p.Ter2480=.
Molecular consequence: no sequence alteration. On other transcripts: 3 prime UTR variant (1).
Genome position (GRCh38, 1-based): chr12:88,049,183, T deleted on the plus strand (A on the coding strand, the reverse complement: CEP290 is on the minus strand); the first of 3 consecutive T bases (chr12:88,049,183-88,049,185); deleting any one gives the same sequence. VCF-style (leftmost placement, unchanged base first): chr12-88049182-CT-C. GRCh37 (hg19) VCF-style: chr12-88442959-CT-C.
Other names: c.*763del (NM_001009894.3).
Identifiers: ClinVar variation 5003969 (VCV005003969.1).

ClinVar aggregate classification (germline): Uncertain significance (1 of 4 stars; one submission).

Conditions:
CEP290-related ciliopathy. Also called: CEP290 ciliopathy. Identifiers: MedGen CN305601, MONDO:0100451.

Submission:

Myriad Genetics, Inc.
Classification: Uncertain significance for CEP290-related ciliopathy. Last evaluated: 2026-03-30. Review status: criteria provided, single submitter. Criteria: Myriad Autosomal Dominant, Autosomal Recessive and X-Linked Classification Criteria (2023). Collection method: clinical testing. Allele origin: unknown.
Comment: NM_025114.3(CEP290):c.*1delA is a 3' non-coding variant classified as a variant of uncertain significance in the context of CEP290-related disorders. c.*1delA has not been observed in cases with relevant disease. Relevant functional assessments of this variant are not available in the literature. c.*1delA has not been observed in referenced population frequency databases. In summary, there is insufficient evidence to classify NM_025114.3(CEP290):c.*1delA as pathogenic or benign. Please note: this variant was assessed in the context of healthy population screening.